The following is an entry in ClinVar:

NM_015160.3(PMPCA):c.313C>T (p.Leu105Phe)

Gene: PMPCA (peptidase, mitochondrial processing subunit alpha; plus strand). Cytogenetic location: 9q34.3.
Variant type: single nucleotide variant.
Coding change: c.313C>T on transcript NM_015160.3 (MANE Select); coding-DNA position 313, C replaced by T.
Protein change: p.Leu105Phe; replaces leucine 105 with phenylalanine.
Molecular consequence: missense variant. On other transcripts: synonymous variant (2).
Genome position (GRCh38, 1-based): chr9:136,412,528, C>T. VCF-style: chr9-136412528-C-T. GRCh37 (hg19) VCF-style: chr9-139306980-C-T.
Other names: c.15C>T, p.Thr5= (NM_001282944.2, NM_001282946.2); c.313C>T (NM_015160.2, NM_015160.1); short protein forms L105F.
Identifiers: ClinVar variation 2976454 (VCV002976454.5), dbSNP rs145709638, ClinGen allele CA5335918.

ClinVar aggregate classification (germline): Uncertain significance. Review status: criteria provided, multiple submitters, no conflicts (2 of 4 stars). 3 submissions from 3 submitters: Uncertain significance (3). Last evaluated 2025-03-15.

Conditions:
Inborn genetic diseases. Identifiers: MedGen C0950123, MeSH D030342.
PMPCA-related disorder. Also called: PMPCA-related condition.

Allele frequency attached by ClinVar (database versions not stated): gnomAD exomes 0.00002; ExAC 0.00009; TOPMed 0.00014; 1000 Genomes Project 30x 0.00016; 1000 Genomes Project 0.00020; gnomAD 0.00022; ESP Exome Variant Server 0.00038.
gnomAD v4.1: 60 of 1,601,990 alleles (0.0037%); highest among the groups gnomAD compares: African/African-American, 0.071%; no homozygotes.

Submissions (3):

Ambry Genetics
Classification: Uncertain significance for Inborn genetic diseases. Last evaluated: 2025-03-15. Review status: criteria provided, single submitter. Criteria: Ambry Variant Classification Scheme 2023. Collection method: clinical testing. Allele origin: germline.

PreventionGenetics, part of Exact Sciences
Classification: Uncertain significance for PMPCA-related condition. Last evaluated: 2025-01-29. Review status: criteria provided, single submitter. Criteria: ACMG Guidelines, 2015. Collection method: clinical testing. Allele origin: germline.
Comment: The PMPCA c.313C>T variant is predicted to result in the amino acid substitution p.Leu105Phe. To our knowledge, this variant has not been reported in the literature. This variant is reported in 0.068% of alleles in individuals of African descent in gnomAD. At this time, the clinical significance of this variant is uncertain due to the absence of conclusive functional and genetic evidence.

Labcorp Genetics (formerly Invitae), Labcorp
Classification: Uncertain significance. Last evaluated: 2024-04-25. Review status: criteria provided, single submitter. Criteria: Invitae Variant Classification Sherloc (09022015). Collection method: clinical testing. Allele origin: germline.
Comment: This sequence change replaces leucine, which is neutral and non-polar, with phenylalanine, which is neutral and non-polar, at codon 105 of the PMPCA protein (p.Leu105Phe). This variant is present in population databases (rs145709638, gnomAD 0.06%). This variant has not been reported in the literature in individuals affected with PMPCA-related conditions. Advanced modeling of protein sequence and biophysical properties (such as structural, functional, and spatial information, amino acid conservation, physicochemical variation, residue mobility, and thermodynamic stability) performed at Invitae indicates that this missense variant is not expected to disrupt PMPCA protein function with a negative predictive value of 80%. In summary, the available evidence is currently insufficient to determine the role of this variant in disease. Therefore, it has been classified as a Variant of Uncertain Significance.